The following is an entry in ClinVar:

ClinVar aggregate classification (germline): Pathogenic. Review status: criteria provided, multiple submitters, no conflicts (2 of 4 stars). 4 submissions from 4 submitters: Pathogenic (4). Last evaluated 2026-03-25.

Conditions:
Hereditary cancer-predisposing syndrome. Also called: Hereditary Cancer Syndrome; Hereditary neoplastic syndrome; Neoplastic Syndromes, Hereditary; Tumor predisposition. Identifiers: Orphanet 140162, MedGen C0027672, MeSH D009386, MONDO:0015356.
Familial cancer of breast. Also called: BREAST CANCER, FAMILIAL; Hereditary breast cancer; hereditary breast carcinoma. Identifiers: Orphanet 227535, MedGen C0346153, MONDO:0016419, OMIM 114480. Disease mechanism: loss of function.
Ataxia-telangiectasia syndrome (AT). Also called: LOUIS-BAR SYNDROME; Cerebello-oculocutaneous telangiectasia; Immunodeficiency with ataxia telangiectasia; Ataxia-telangiectasia, complementation group E; Ataxia telangiectasia (A-T); Ataxia-telangiectasia, complementation group D. Identifiers: Orphanet 100, MedGen C0004135, MONDO:0008840, OMIM 208900.

Allele frequency attached by ClinVar (database versions not stated): gnomAD exomes below 0.00001.
gnomAD v4.1: 1 of 1,613,858 alleles (0.000062%); highest among the groups gnomAD compares: East Asian, 0.0022%; no homozygotes.

Submissions (4):

Myriad Genetics, Inc.
Classification: Pathogenic for Familial cancer of breast. Last evaluated: 2026-03-25. Review status: criteria provided, single submitter. Criteria: Myriad Autosomal Dominant, Autosomal Recessive and X-Linked Classification Criteria (2023). Collection method: clinical testing. Allele origin: unknown.
Comment: This variant is considered pathogenic. This variant creates a termination codon and is predicted to result in premature protein truncation.

Labcorp Genetics (formerly Invitae), Labcorp
Classification: Pathogenic for Ataxia-telangiectasia syndrome. Last evaluated: 2023-10-13. Review status: criteria provided, single submitter. Criteria: Invitae Variant Classification Sherloc (09022015). Collection method: clinical testing. Allele origin: germline.
Comment: This sequence change creates a premature translational stop signal (p.Gln1116*) in the ATM gene. It is expected to result in an absent or disrupted protein product. Loss-of-function variants in ATM are known to be pathogenic (PMID: 23807571, 25614872). This variant is not present in population databases (gnomAD no frequency). This variant has not been reported in the literature in individuals affected with ATM-related conditions. ClinVar contains an entry for this variant (Variation ID: 1685553). For these reasons, this variant has been classified as Pathogenic.

Mendelics
Classification: Pathogenic for Familial cancer of breast. Last evaluated: 2022-05-04. Review status: criteria provided, single submitter. Criteria: Mendelics Assertion Criteria 2019. Collection method: clinical testing. Allele origin: germline.

Ambry Genetics
Classification: Pathogenic for Hereditary cancer-predisposing syndrome. Last evaluated: 2020-08-20. Review status: criteria provided, single submitter. Criteria: Ambry Variant Classification Scheme 2023. Collection method: clinical testing. Allele origin: germline.
Comment: The p.Q1116* pathogenic mutation (also known as c.3346C>T), located in coding exon 22 of the ATM gene, results from a C to T substitution at nucleotide position 3346. This changes the amino acid from a glutamine to a stop codon within coding exon 22. This alteration is expected to result in loss of function by premature protein truncation or nonsense-mediated mRNA decay. As such, this alteration is interpreted as a disease-causing mutation.

Literature cited by the submitters: PubMed 23807571 (cited by Labcorp Genetics (formerly Invitae), Labcorp); PubMed 25614872 (cited by Labcorp Genetics (formerly Invitae), Labcorp).

NM_000051.4(ATM):c.3346C>T (p.Gln1116Ter)

Gene: ATM (ATM serine/threonine kinase; plus strand). Cytogenetic location: 11q22.3.
Variant type: single nucleotide variant.
Coding change: c.3346C>T on transcript NM_000051.4 (MANE Select); coding-DNA position 3346, C replaced by T.
Protein change: p.Gln1116Ter; replaces glutamine 1116 with a stop codon.
Molecular consequence: nonsense.
Genome position (GRCh38, 1-based): chr11:108,279,552, C>T. VCF-style: chr11-108279552-C-T. GRCh37 (hg19) VCF-style: chr11-108150279-C-T.
Other names: c.3346C>T, p.Gln1116Ter (NM_001351834.2); short protein forms Q1116*.
Identifiers: ClinVar variation 1685553 (VCV001685553.8), dbSNP rs2135644009, ClinGen allele CA382517627.
Genomic context (GRCh38, chr11:108,279,552, plus strand): 5'-TTGTTCCAGGACACGAAGGGAGATTCTTCCAGGTTACTGAAAGCACTTCCTTTGAAGCTT[C>T]AGCAAACAGCTTTTGAAAATGCATACTTGAAAGCTCAGGAAGGAATGAGAGAAATGGTAA-3'